The following is an entry in ClinVar:

NM_016580.4(PCDH12):c.2356G>C (p.Gly786Arg)

Genes: PCDH12 (protocadherin 12; minus strand), RNF14 (ring finger protein 14; plus strand). Cytogenetic location: 5q31.3.
Variant type: single nucleotide variant.
Coding change: c.2356G>C on transcript NM_016580.4 (MANE Select); coding-DNA position 2356, G replaced by C.
Protein change: p.Gly786Arg; replaces glycine 786 with arginine.
Molecular consequence: missense variant.
Genome position (GRCh38, 1-based): chr5:141,955,496, C>G on the plus strand (G>C on the coding strand, the complement: PCDH12 is on the minus strand). VCF-style: chr5-141955496-C-G. GRCh37 (hg19) VCF-style: chr5-141335061-C-G.
Other names: short protein forms G786R.
Identifiers: ClinVar variation 2419427 (VCV002419427.6), dbSNP rs2532551799, ClinGen allele CA361575946.
Genomic context (GRCh38, chr5:141,955,496, plus strand): 5'-CTTCCATCATCGCCTCCTTGTCCACATCTTTGTGGGACTGCCCGACTTCACAAGGCTCAC[C>G]TGCCTGACCCCTGAGCACAGGCACGAGGTGGATGTCTGCCTTCTGAATGTGTTTCTGGGG-3'
Protein context (NP_057664.1, residues 776-796): HLVPVLRGQA[Gly786Arg]EPCEVGQSHK

ClinVar aggregate classification (germline): Uncertain significance (1 of 4 stars; one submission).

Allele frequency attached by ClinVar (database versions not stated): gnomAD exomes below 0.00001.
gnomAD v4.1: 5 of 1,614,212 alleles (0.00031%); highest among the groups gnomAD compares: Non-Finnish European, 0.00042%; no homozygotes.

Submission:

Labcorp Genetics (formerly Invitae), Labcorp
Classification: Uncertain significance. Last evaluated: 2022-04-11. Review status: criteria provided, single submitter. Criteria: Invitae Variant Classification Sherloc (09022015). Collection method: clinical testing. Allele origin: germline.
Comment: This variant is not present in population databases (gnomAD no frequency). In summary, the available evidence is currently insufficient to determine the role of this variant in disease. Therefore, it has been classified as a Variant of Uncertain Significance. Advanced modeling of protein sequence and biophysical properties (such as structural, functional, and spatial information, amino acid conservation, physicochemical variation, residue mobility, and thermodynamic stability) performed at Invitae indicates that this missense variant is not expected to disrupt PCDH12 protein function. This variant has not been reported in the literature in individuals affected with PCDH12-related conditions. This sequence change replaces glycine, which is neutral and non-polar, with arginine, which is basic and polar, at codon 786 of the PCDH12 protein (p.Gly786Arg).